The following is an entry in ClinVar:

ClinVar aggregate classification (germline): Uncertain significance (1 of 4 stars; one submission).

Conditions:
Hereditary cancer-predisposing syndrome. Also called: Neoplastic Syndromes, Hereditary; Tumor predisposition; Hereditary Cancer Syndrome; Hereditary neoplastic syndrome. Identifiers: Orphanet 140162, MedGen C0027672, MeSH D009386, MONDO:0015356.

Submission:

Ambry Genetics
Classification: Uncertain significance for Hereditary cancer-predisposing syndrome. Last evaluated: 2025-10-06. Review status: criteria provided, single submitter. Criteria: Ambry Variant Classification Scheme 2023. Collection method: clinical testing. Allele origin: germline.
Comment: The c.3682delC variant, located in coding exon 22 of the PTCH1 gene, results from a deletion of one nucleotide at nucleotide position 3682, causing a translational frameshift with a predicted alternate stop codon (p.Q1228Rfs*27). This alteration is expected to result in loss of function by premature protein truncation or nonsense-mediated mRNA decay. However, it occurs near the 3' terminus of PTCH1 where no known functional domains are located. Alterations in this region have been observed in individuals who do not have a personal or family history that is consistent with or suggestive of PTCH1-associated disease (Ambry internal data). Since supporting evidence is limited at this time, the clinical significance of this alteration remains unclear.

NM_000264.5(PTCH1):c.3682del (p.Gln1228fs)

Gene: PTCH1 (patched 1; minus strand). Cytogenetic location: 9q22.32.
Variant type: Deletion.
Coding change: c.3682del on transcript NM_000264.5 (MANE Select); coding-DNA position 3682, one base deleted (C; older notation c.3682delC).
Protein change: p.Gln1228fs; shifts the reading frame from glutamine 1228.
Molecular consequence: frameshift variant. On other transcripts: non-coding transcript variant (1).
Genome position (GRCh38, 1-based): chr9:95,449,191, G deleted on the plus strand (C on the coding strand, the reverse complement: PTCH1 is on the minus strand); the first of 3 consecutive G bases (chr9:95,449,191-95,449,193); deleting any one gives the same sequence. VCF-style (leftmost placement, unchanged base first): chr9-95449190-TG-T. GRCh37 (hg19) VCF-style: chr9-98211472-TG-T.
Other names: c.3484del, p.Gln1162fs (NM_001083602.3); c.3679del, p.Gln1227fs (NM_001083603.3); c.3229del, p.Gln1077fs (NM_001083604.3, NM_001083605.3, NM_001083606.3 and 1 more transcripts); c.3526del, p.Gln1176fs (NM_001354918.2); c.3682delC (NM_000264.3); short protein forms Q1176fs, Q1077fs, Q1227fs, Q1228fs, Q1162fs.
Identifiers: ClinVar variation 4675479 (VCV004675479.1).
Genomic context (GRCh38, chr9:95,449,190, plus strand): 5'-CCCGCGCCCTGCTGGGCCTCGTAGTGCCGAAGCTCCTCGCTGAGGCCTGACACTGTCGTC[TG>T]GGAACTATACTCCGAGTCGGAGGAATCAGACCCGCTGTGCGTGTGGCCGGGCGGCATGGC-3'